The following is an entry in ClinVar:

ClinVar aggregate classification (germline): Uncertain significance (0 of 4 stars; one submission).

Conditions:
PLXNA3-related disorder. Also called: PLXNA3-related condition.

Submission:

PreventionGenetics, part of Exact Sciences
Classification: Uncertain significance for PLXNA3-related condition. Last evaluated: 2024-05-10. Review status: no assertion criteria provided. Collection method: clinical testing. Allele origin: germline.
Comment: The PLXNA3 c.572A>G variant is predicted to result in the amino acid substitution p.Asp191Gly. To our knowledge, this variant has not been reported in the literature. This variant is reported in 0.0017% of alleles in individuals of European (Non-Finnish) descent in gnomAD. At this time, the clinical significance of this variant is uncertain due to the absence of conclusive functional and genetic evidence.

NM_017514.5(PLXNA3):c.572A>G (p.Asp191Gly)

Gene: PLXNA3 (plexin A3; plus strand). Cytogenetic location: Xq28.
Variant type: single nucleotide variant.
Coding change: c.572A>G on transcript NM_017514.5 (MANE Select); coding-DNA position 572, A replaced by G.
Protein change: p.Asp191Gly; replaces aspartic acid 191 with glycine.
Molecular consequence: missense variant.
Genome position (GRCh38, 1-based): chrX:154,460,755, A>G. VCF-style: chrX-154460755-A-G. GRCh37 (hg19) VCF-style: chrX-153689095-A-G.
Other names: short protein forms D191G.
Identifiers: ClinVar variation 3345642 (VCV003345642.1).